The following is an entry in ClinVar:

ClinVar aggregate classification (germline): Uncertain significance (1 of 4 stars; one submission).

Conditions:
Hereditary cancer-predisposing syndrome. Also called: Hereditary Cancer Syndrome; Tumor predisposition; Hereditary neoplastic syndrome; Neoplastic Syndromes, Hereditary. Identifiers: Orphanet 140162, MedGen C0027672, MeSH D009386, MONDO:0015356.
Cardiovascular phenotype. Identifiers: MedGen CN230736.

Submission:

Ambry Genetics
Classification: Uncertain significance for Cardiovascular phenotype; Hereditary cancer-predisposing syndrome. Last evaluated: 2024-08-05. Review status: criteria provided, single submitter. Criteria: Ambry Variant Classification Scheme 2023. Collection method: clinical testing. Allele origin: germline.
Comment: The c.289-1G>T intronic variant results from a G to T substitution one nucleotide upstream from coding exon 4 of the NF1 gene. Alterations that disrupt the canonical splice site are expected to result in aberrant splicing. In silico splice site analysis predicts that this alteration will weaken the native splice acceptor site and will result in the creation or strengthening of a novel splice acceptor site. The resulting transcript is predicted to be in-frame and is not expected to trigger nonsense-mediated mRNAdecay; however, direct evidence is unavailable. The exact functional effect of the altered amino acid sequence is unknown. This nucleotide position is highly conserved in available vertebrate species. Based on the available evidence, the clinical significance of this variant remains unclear.

NM_001042492.3(NF1):c.289-1G>T

Gene: NF1 (neurofibromin 1; plus strand). Cytogenetic location: 17q11.2.
Variant type: single nucleotide variant.
Coding change: c.289-1G>T on transcript NM_001042492.3 (MANE Select); the canonical splice acceptor site of the intron before coding-DNA position 289, G replaced by T.
Molecular consequence: splice acceptor variant.
Genome position (GRCh38, 1-based): chr17:31,163,185, G>T. VCF-style: chr17-31163185-G-T. GRCh37 (hg19) VCF-style: chr17-29490203-G-T.
Other names: c.289-1G>T (NM_000267.4, NM_001128147.3).
Identifiers: ClinVar variation 3404661 (VCV003404661.1).